The following is an entry in ClinVar:

ClinVar aggregate classification (germline): Benign/Likely benign. Review status: criteria provided, multiple submitters, no conflicts (2 of 4 stars). 5 submissions from 5 submitters: Benign (2); Likely benign (3). Last evaluated 2025-11-04.

Conditions:
POLD1-related polyposis and colorectal cancer syndrome (CRCS10). Also called: Colorectal cancer, susceptibility to, 10; Colorectal cancer 10; COLORECTAL CANCER, SUSCEPTIBILITY TO, ON CHROMOSOME 19q. Identifiers: Orphanet 220460, MedGen C2675481, MONDO:0012953, OMIM 612591.
Hereditary cancer-predisposing syndrome. Also called: Neoplastic Syndromes, Hereditary; Hereditary neoplastic syndrome; Hereditary Cancer Syndrome; Tumor predisposition. Identifiers: Orphanet 140162, MedGen C0027672, MeSH D009386, MONDO:0015356.

Allele frequency attached by ClinVar (database versions not stated): gnomAD exomes 0.00001.
gnomAD v4.1: 11 of 1,613,992 alleles (0.00068%); highest among the groups gnomAD compares: Middle Eastern, 0.016%; no homozygotes.

Submissions (5):

Labcorp Genetics (formerly Invitae), Labcorp
Classification: Likely benign for POLD1-related polyposis and colorectal cancer syndrome. Last evaluated: 2025-11-04. Review status: criteria provided, single submitter. Criteria: Invitae Variant Classification Sherloc (09022015). Collection method: clinical testing. Allele origin: germline.

Myriad Genetics, Inc.
Classification: Benign for POLD1-related polyposis and colorectal cancer syndrome. Last evaluated: 2025-02-06. Review status: criteria provided, single submitter. Criteria: Myriad Autosomal Dominant, Autosomal Recessive and X-Linked Classification Criteria (2023). Collection method: clinical testing. Allele origin: unknown.
Comment: This variant is considered benign. This variant is a silent/synonymous amino acid change and it is not expected to impact splicing.

KCCC/NGS Laboratory, Kuwait Cancer Control Center
Classification: Benign for POLD1-related polyposis and colorectal cancer syndrome. Last evaluated: 2025-02-01. Review status: criteria provided, single submitter. Criteria: ACMG Guidelines, 2015. Collection method: clinical testing. Allele origin: germline. Affected: no.

GeneDx
Classification: Likely benign. Last evaluated: 2021-01-07. Review status: criteria provided, single submitter. Criteria: GeneDx Variant Classification Process June 2021. Collection method: clinical testing. Allele origin: germline. Affected: yes.

Ambry Genetics
Classification: Likely benign for Hereditary cancer-predisposing syndrome. Last evaluated: 2018-07-26. Review status: criteria provided, single submitter. Criteria: Ambry Variant Classification Scheme 2023. Collection method: clinical testing. Allele origin: germline.

NM_002691.4(POLD1):c.1338C>A (p.Thr446=)

Gene: POLD1 (DNA polymerase delta 1, catalytic subunit; plus strand). Cytogenetic location: 19q13.33.
Variant type: single nucleotide variant.
Coding change: c.1338C>A on transcript NM_002691.4 (MANE Select); coding-DNA position 1338, C replaced by A.
Protein change: p.Thr446=; no amino-acid change (threonine 446 retained).
Molecular consequence: synonymous variant. On other transcripts: non-coding transcript variant (1).
Genome position (GRCh38, 1-based): chr19:50,406,277, C>A. VCF-style: chr19-50406277-C-A. GRCh37 (hg19) VCF-style: chr19-50909534-C-A.
Other names: c.1338C>A, p.Thr446= (NM_001256849.1, NM_001308632.1).
Identifiers: ClinVar variation 382448 (VCV000382448.21), dbSNP rs1057521359, ClinGen allele CA16608270.